The following is an entry in ClinVar:

ClinVar aggregate classification (germline): Uncertain significance. Review status: criteria provided, multiple submitters, no conflicts (2 of 4 stars). 2 submissions from 2 submitters: Uncertain significance (2). Last evaluated 2025-04-29.

Conditions:
Inborn genetic diseases. Identifiers: MedGen C0950123, MeSH D030342.

gnomAD v4.1: 39 of 1,613,782 alleles (0.0024%); highest among the groups gnomAD compares: Non-Finnish European, 0.0031%; no homozygotes.

Submissions (2):

Ambry Genetics
Classification: Uncertain significance for Inborn genetic diseases. Last evaluated: 2025-04-29. Review status: criteria provided, single submitter. Criteria: Ambry Variant Classification Scheme 2023. Collection method: clinical testing. Allele origin: germline.

Labcorp Genetics (formerly Invitae), Labcorp
Classification: Uncertain significance. Last evaluated: 2024-06-19. Review status: criteria provided, single submitter. Criteria: Invitae Variant Classification Sherloc (09022015). Collection method: clinical testing. Allele origin: germline.
Comment: This sequence change replaces arginine, which is basic and polar, with threonine, which is neutral and polar, at codon 365 of the SEC24D protein (p.Arg365Thr). This variant is present in population databases (no rsID available, gnomAD 0.003%). This variant has not been reported in the literature in individuals affected with SEC24D-related conditions. ClinVar contains an entry for this variant (Variation ID: 1953298). An algorithm developed to predict the effect of missense changes on protein structure and function (PolyPhen-2) suggests that this variant is likely to be disruptive. In summary, the available evidence is currently insufficient to determine the role of this variant in disease. Therefore, it has been classified as a Variant of Uncertain Significance.

NM_014822.4(SEC24D):c.1094G>C (p.Arg365Thr)

Gene: SEC24D (SEC24 homolog D, COPII component; minus strand). Cytogenetic location: 4q26.
Variant type: single nucleotide variant.
Coding change: c.1094G>C on transcript NM_014822.4 (MANE Select); coding-DNA position 1094, G replaced by C.
Protein change: p.Arg365Thr; replaces arginine 365 with threonine.
Molecular consequence: missense variant.
Genome position (GRCh38, 1-based): chr4:118,768,259, C>G on the plus strand (G>C on the coding strand, the complement: SEC24D is on the minus strand). VCF-style: chr4-118768259-C-G. GRCh37 (hg19) VCF-style: chr4-119689414-C-G.
Other names: c.1094G>C (NM_014822.2); c.1097G>C, p.Arg366Thr (NM_001318066.2); short protein forms R365T, R366T.
Identifiers: ClinVar variation 1953298 (VCV001953298.6), dbSNP rs1331296275, ClinGen allele CA358012988.